The following is an entry in ClinVar:

NM_001701.4(BAAT):c.1110T>C (p.Pro370=)

Gene: BAAT (bile acid-CoA:amino acid N-acyltransferase; minus strand). Cytogenetic location: 9q31.1.
Variant type: single nucleotide variant.
Coding change: c.1110T>C on transcript NM_001701.4 (MANE Select); coding-DNA position 1110, T replaced by C.
Protein change: p.Pro370=; no amino-acid change (proline 370 retained).
Molecular consequence: synonymous variant.
Genome position (GRCh38, 1-based): chr9:101,362,575, A>G on the plus strand (T>C on the coding strand, the complement: BAAT is on the minus strand). VCF-style: chr9-101362575-A-G. GRCh37 (hg19) VCF-style: chr9-104124857-A-G.
Other names: c.1110T>C, p.Pro370= (NM_001127610.2, NM_001374715.1).
Identifiers: ClinVar variation 4982667 (VCV004982667.1).

ClinVar aggregate classification (germline): Likely benign (1 of 4 stars; one submission).

Conditions:
BAAT-related disorder. Also called: BAAT-related condition.

gnomAD v4.1: 1 of 1,614,132 alleles (0.000062%); highest among the groups gnomAD compares: Admixed American, 0.0017%; no homozygotes.

Submission:

PreventionGenetics, part of Exact Sciences
Classification: Likely benign for BAAT-related condition. Last evaluated: 2025-12-06. Review status: criteria provided, single submitter. Criteria: ACMG Guidelines, 2015. Collection method: clinical testing. Allele origin: germline.
Comment: This variant is classified as likely benign based on ACMG/AMP sequence variant interpretation guidelines (Richards et al. 2015 PMID: 25741868, with internal and published modifications).